The following is an entry in ClinVar:

ClinVar aggregate classification (germline): Pathogenic. Review status: criteria provided, multiple submitters, no conflicts (2 of 4 stars). 2 submissions from 2 submitters: Pathogenic (2). Last evaluated 2022-05-12.

Conditions:
Hereditary cancer-predisposing syndrome. Also called: Neoplastic Syndromes, Hereditary; Tumor predisposition; Hereditary Cancer Syndrome; Hereditary neoplastic syndrome. Identifiers: Orphanet 140162, MedGen C0027672, MeSH D009386, MONDO:0015356.

Submissions (2):

Labcorp Genetics (formerly Invitae), Labcorp
Classification: Pathogenic for Hereditary cancer-predisposing syndrome. Last evaluated: 2022-05-12. Review status: criteria provided, single submitter. Criteria: Invitae Variant Classification Sherloc (09022015). Collection method: clinical testing. Allele origin: germline.
Comment: This sequence change creates a premature translational stop signal (p.Lys334Asnfs*36) in the RAD50 gene. It is expected to result in an absent or disrupted protein product. Loss-of-function variants in RAD50 are known to be pathogenic (PMID: 19409520). For these reasons, this variant has been classified as Pathogenic. ClinVar contains an entry for this variant (Variation ID: 484646). This variant has not been reported in the literature in individuals affected with RAD50-related conditions. This variant is not present in population databases (gnomAD no frequency).

Ambry Genetics
Classification: Pathogenic for Hereditary cancer-predisposing syndrome. Last evaluated: 2016-05-24. Review status: criteria provided, single submitter. Criteria: Ambry Variant Classification Scheme 2023. Collection method: clinical testing. Allele origin: germline.
Comment: The c.1002_1005delAGAA pathogenic mutation, located in coding exon 7 of the RAD50 gene, results from a deletion of 4 nucleotides between nucleotide positions 1002 and 1005, causing a translational frameshift with a predicted alternate stop codon. Since frameshifts are typically deleterious in nature, this alteration is interpreted as a disease-causing mutation (ACMG Recommendations for Standards for Interpretation and Reporting of Sequence Variations. Revision 2007. Genet Med. 2008;10:294).

Literature cited by the submitters: PubMed 19409520 (cited by Labcorp Genetics (formerly Invitae), Labcorp).

NM_005732.4(RAD50):c.1002_1005del (p.Lys334fs)

Gene: RAD50 (RAD50 double strand break repair protein; plus strand). Cytogenetic location: 5q31.1.
Variant type: Deletion.
Coding change: c.1002_1005del on transcript NM_005732.4 (MANE Select); coding-DNA positions 1002 to 1005, 4 bases deleted (AGAA; older notation c.1002_1005delAGAA).
Protein change: p.Lys334fs; shifts the reading frame from lysine 334.
Molecular consequence: frameshift variant.
Genome position (GRCh38, 1-based): chr5:132,588,040-132,588,043, AGAA deleted; deleting any 4 consecutive bases within chr5:132,588,038-132,588,043 gives the same sequence; the c. name uses the placement nearest the transcript's 3' end. VCF-style (leftmost placement, unchanged base first): chr5-132588037-TAAAG-T. GRCh37 (hg19) VCF-style: chr5-131923729-TAAAG-T.
Other names: c.1002_1005del (NM_005732.3); short protein forms K334fs.
Identifiers: ClinVar variation 484646 (VCV000484646.13), dbSNP rs1554098203, ClinGen allele CA658657503.